The following is an entry in ClinVar:

ClinVar aggregate classification (germline): Uncertain significance. Review status: criteria provided, multiple submitters, no conflicts (2 of 4 stars). 2 submissions from 2 submitters: Uncertain significance (2). Last evaluated 2024-11-08.

Conditions:
Hereditary cancer-predisposing syndrome. Also called: Hereditary Cancer Syndrome; Hereditary neoplastic syndrome; Tumor predisposition; Neoplastic Syndromes, Hereditary. Identifiers: Orphanet 140162, MedGen C0027672, MeSH D009386, MONDO:0015356.

gnomAD v4.1: 1 of 1,613,952 alleles (0.000062%); highest among the groups gnomAD compares: Non-Finnish European, 0.000085%; no homozygotes.

Submissions (2):

Ambry Genetics
Classification: Uncertain significance for Hereditary cancer-predisposing syndrome. Last evaluated: 2024-11-08. Review status: criteria provided, single submitter. Criteria: Ambry Variant Classification Scheme 2023. Collection method: clinical testing. Allele origin: germline.
Comment: The p.R91Q variant (also known as c.272G>A), located in coding exon 1 of the HOXB13 gene, results from a G to A substitution at nucleotide position 272. The arginine at codon 91 is replaced by glutamine, an amino acid with highly similar properties. This amino acid position is highly conserved in available vertebrate species. In addition, the in silico prediction for this alteration is inconclusive. Based on the available evidence, the clinical significance of this variant remains unclear.

Labcorp Genetics (formerly Invitae), Labcorp
Classification: Uncertain significance. Last evaluated: 2024-03-06. Review status: criteria provided, single submitter. Criteria: Invitae Variant Classification Sherloc (09022015). Collection method: clinical testing. Allele origin: germline.
Comment: This sequence change replaces arginine, which is basic and polar, with glutamine, which is neutral and polar, at codon 91 of the HOXB13 protein (p.Arg91Gln). This variant is not present in population databases (gnomAD no frequency). This variant has not been reported in the literature in individuals affected with HOXB13-related conditions. Advanced modeling of protein sequence and biophysical properties (such as structural, functional, and spatial information, amino acid conservation, physicochemical variation, residue mobility, and thermodynamic stability) performed at Invitae indicates that this missense variant is not expected to disrupt HOXB13 protein function with a negative predictive value of 80%. In summary, the available evidence is currently insufficient to determine the role of this variant in disease. Therefore, it has been classified as a Variant of Uncertain Significance.

NM_006361.6(HOXB13):c.272G>A (p.Arg91Gln)

Gene: HOXB13 (homeobox B13; minus strand). Cytogenetic location: 17q21.32.
Variant type: single nucleotide variant.
Coding change: c.272G>A on transcript NM_006361.6 (MANE Select); coding-DNA position 272, G replaced by A.
Protein change: p.Arg91Gln; replaces arginine 91 with glutamine.
Molecular consequence: missense variant.
Genome position (GRCh38, 1-based): chr17:48,728,322, C>T on the plus strand (G>A on the coding strand, the complement: HOXB13 is on the minus strand). VCF-style: chr17-48728322-C-T. GRCh37 (hg19) VCF-style: chr17-46805684-C-T.
Other names: short protein forms R91Q.
Identifiers: ClinVar variation 3526291 (VCV003526291.3).
Genomic context (GRCh38, chr17:48,728,322, plus strand): 5'-GCGGGGTACGCGGCCAGGGTGGCTGCCTGGGCACAGGGTTTCAGCGAGCTCCGGGACACT[C>T]GGCAGGAGTAGTACCCGCCTCCAAAGTAACCATAAGGCACGGGAGCTGGGGACGTCCCCT-3'
Protein context (NP_006352.2, residues 81-101): GYFGGGYYSC[Arg91Gln]VSRSSLKPCA